The following is an entry in ClinVar:

ClinVar aggregate classification (germline): Uncertain significance (1 of 4 stars; one submission).

Conditions:
Nephronophthisis. Also called: Juvenile Nephronophthisis. Identifiers: Orphanet 655, MedGen C0687120, MONDO:0019005, HP:0000090.

Allele frequency attached by ClinVar (database versions not stated): gnomAD exomes below 0.00001; TOPMed 0.00001.
gnomAD v4.1: 6 of 1,614,032 alleles (0.00037%); highest among the groups gnomAD compares: Non-Finnish European, 0.00042%; no homozygotes.

Submission:

Labcorp Genetics (formerly Invitae), Labcorp
Classification: Uncertain significance for Nephronophthisis. Last evaluated: 2022-11-08. Review status: criteria provided, single submitter. Criteria: Invitae Variant Classification Sherloc (09022015). Collection method: clinical testing. Allele origin: germline.
Comment: In summary, the available evidence is currently insufficient to determine the role of this variant in disease. Therefore, it has been classified as a Variant of Uncertain Significance. Advanced modeling of protein sequence and biophysical properties (such as structural, functional, and spatial information, amino acid conservation, physicochemical variation, residue mobility, and thermodynamic stability) performed at Invitae indicates that this missense variant is not expected to disrupt NPHP4 protein function. ClinVar contains an entry for this variant (Variation ID: 1005425). This variant has not been reported in the literature in individuals affected with NPHP4-related conditions. This variant is not present in population databases (gnomAD no frequency). This sequence change replaces valine, which is neutral and non-polar, with methionine, which is neutral and non-polar, at codon 1399 of the NPHP4 protein (p.Val1399Met).

NM_015102.5(NPHP4):c.4195G>A (p.Val1399Met)

Gene: NPHP4 (nephrocystin 4; minus strand). Cytogenetic location: 1p36.31.
Variant type: single nucleotide variant.
Coding change: c.4195G>A on transcript NM_015102.5 (MANE Select); coding-DNA position 4195, G replaced by A.
Protein change: p.Val1399Met; replaces valine 1399 with methionine.
Molecular consequence: missense variant. On other transcripts: non-coding transcript variant (1).
Genome position (GRCh38, 1-based): chr1:5,863,351, C>T on the plus strand (G>A on the coding strand, the complement: NPHP4 is on the minus strand). VCF-style: chr1-5863351-C-T. GRCh37 (hg19) VCF-style: chr1-5923411-C-T.
Other names: c.2656G>A, p.Val886Met (NM_001291593.2); c.2659G>A, p.Val887Met (NM_001291594.2); short protein forms V1399M, V886M, V887M.
Identifiers: ClinVar variation 1005425 (VCV001005425.6), dbSNP rs1640830274, ClinGen allele CA338047626.